The following is an entry in ClinVar:

ClinVar aggregate classification (germline): Conflicting classifications of pathogenicity. Review status: criteria provided, conflicting classifications (1 of 4 stars). 4 submissions from 4 submitters: Uncertain significance (3); Likely benign (1). Last evaluated 2025-02-11.

Conditions:
Sessile serrated polyposis cancer syndrome (SSPCS). Identifiers: Orphanet 157798, MedGen C4310714, MONDO:0014919, OMIM 617108.

Allele frequency attached by ClinVar (database versions not stated): gnomAD exomes below 0.00001 and 0.00004; gnomAD 0.00001; TOPMed 0.00001; ExAC 0.00003; 1000 Genomes Project 30x 0.00016; 1000 Genomes Project 0.00020.

Submissions (4):

Ambry Genetics
Classification: Likely benign. Last evaluated: 2025-02-11. Review status: criteria provided, single submitter. Criteria: Ambry Variant Classification Scheme 2023. Collection method: clinical testing. Allele origin: germline.

Labcorp Genetics (formerly Invitae), Labcorp
Classification: Uncertain significance. Last evaluated: 2024-12-16. Review status: criteria provided, single submitter. Criteria: Invitae Variant Classification Sherloc (09022015). Collection method: clinical testing. Allele origin: germline.
Comment: This sequence change replaces glycine, which is neutral and non-polar, with arginine, which is basic and polar, at codon 263 of the RNF43 protein (p.Gly263Arg). This variant is present in population databases (rs201914846, gnomAD 0.05%), and has an allele count higher than expected for a pathogenic variant. This variant has not been reported in the literature in individuals affected with RNF43-related conditions. ClinVar contains an entry for this variant (Variation ID: 1040923). An algorithm developed to predict the effect of missense changes on protein structure and function (PolyPhen-2) suggests that this variant is likely to be tolerated. In summary, the available evidence is currently insufficient to determine the role of this variant in disease. Therefore, it has been classified as a Variant of Uncertain Significance.

GeneDx
Classification: Uncertain significance. Last evaluated: 2023-10-26. Review status: criteria provided, single submitter. Criteria: GeneDx Variant Classification Process June 2021. Collection method: clinical testing. Allele origin: germline. Affected: yes.
Comment: In silico analysis supports that this missense variant does not alter protein structure/function; Has not been previously published as pathogenic or benign to our knowledge; Variants in candidate genes are classified as variants of uncertain significance in accordance with ACMG guidelines (PMID: 25741868)

Baylor Genetics
Classification: Uncertain significance for Sessile serrated polyposis cancer syndrome. Last evaluated: 2023-09-06. Review status: criteria provided, single submitter. Criteria: ACMG Guidelines, 2015. Collection method: clinical testing. Allele origin: unknown.

NM_017763.6(RNF43):c.787G>A (p.Gly263Arg)

Gene: RNF43 (ring finger protein 43; minus strand). Cytogenetic location: 17q22.
Variant type: single nucleotide variant.
Coding change: c.787G>A on transcript NM_017763.6 (MANE Select); coding-DNA position 787, G replaced by A.
Protein change: p.Gly263Arg; replaces glycine 263 with arginine.
Molecular consequence: missense variant.
Genome position (GRCh38, 1-based): chr17:58,360,845, C>T on the plus strand (G>A on the coding strand, the complement: RNF43 is on the minus strand). VCF-style: chr17-58360845-C-T. GRCh37 (hg19) VCF-style: chr17-56438206-C-T.
Other names: c.787G>A (NM_017763.4); c.787G>A, p.Gly263Arg (NM_001305544.3); c.406G>A, p.Gly136Arg (NM_001305545.2); short protein forms G136R, G263R.
Identifiers: ClinVar variation 1040923 (VCV001040923.12), dbSNP rs201914846, ClinGen allele CA8673305.
Genomic context (GRCh38, chr17:58,360,845, plus strand): 5'-GCCCCTCAGAGAACTCCTCCAGACAGATGGCACACACAGGGGCTGAGCTGCAGCTGCTCC[C>T]TGAGTCTGGCCACTCACCCCGGGCCTGCCTGCAGCTGGCCTGGTACCTCCTGGTGGCCAG-3'
Protein context (NP_060233.3, residues 253-273): RQARGEWPDS[Gly263Arg]SSCSSAPVCA